The following is an entry in ClinVar:

ClinVar aggregate classification (germline): Uncertain significance (1 of 4 stars; one submission).

Conditions:
Hypertrophic cardiomyopathy. Also called: HYPERTROPHIC MYOCARDIOPATHY. Identifiers: Orphanet 217569, MedGen C0007194, MeSH D002312, MONDO:0005045, HP:0001639.

Allele frequency attached by ClinVar (database versions not stated): TOPMed below 0.00001; gnomAD exomes 0.00001; ExAC 0.00003.
gnomAD v4.1: 9 of 1,614,030 alleles (0.00056%); highest among the groups gnomAD compares: South Asian, 0.0088%; no homozygotes.

Submission:

All of Us Research Program, National Institutes of Health
Classification: Uncertain significance for Hypertrophic cardiomyopathy. Last evaluated: 2023-06-26. Review status: criteria provided, single submitter. Criteria: ACMG Guidelines, 2015. Collection method: clinical testing. Allele origin: germline. Inheritance: Autosomal dominant inheritance. Observed: 1 variant allele, 1 heterozygote.
Comment: This missense variant replaces aspartic acid with histidine at codon 760 of the MYBPC3 protein. Computational prediction suggests that this variant may have a deleterious impact on protein structure and function (internally defined REVEL score threshold >= 0.7, PMID: 27666373). To our knowledge, functional studies have not been reported for this variant. This variant has not been reported in individuals affected with MYBPC3-related disorders in the literature. This variant has been identified in 6/249226 chromosomes in the general population by the Genome Aggregation Database (gnomAD). The available evidence is insufficient to determine the role of this variant in disease conclusively. Therefore, this variant is classified as a Variant of Uncertain Significance.

This study involves interpretation of variants in research participants for the purpose of population health screening. Participant phenotype was not available at the time of variant classification. Additional details can be found in publication PMID: 35346344, PMCID: PMC8962531

NM_000256.3(MYBPC3):c.2278G>C (p.Asp760His)

Gene: MYBPC3 (myosin binding protein C3; minus strand). Cytogenetic location: 11p11.2.
Variant type: single nucleotide variant.
Coding change: c.2278G>C on transcript NM_000256.3 (MANE Select); coding-DNA position 2278, G replaced by C.
Protein change: p.Asp760His; replaces aspartic acid 760 with histidine.
Molecular consequence: missense variant.
Genome position (GRCh38, 1-based): chr11:47,338,550, C>G on the plus strand (G>C on the coding strand, the complement: MYBPC3 is on the minus strand). VCF-style: chr11-47338550-C-G. GRCh37 (hg19) VCF-style: chr11-47360101-C-G.
Other names: short protein forms D760H.
Identifiers: ClinVar variation 3071929 (VCV003071929.1), dbSNP rs762280284, ClinGen allele CA078614.